The following is an entry in ClinVar:

ClinVar aggregate classification (germline): Likely benign (1 of 4 stars; one submission).

Allele frequency attached by ClinVar (database versions not stated): ExAC 0.00001; gnomAD exomes 0.00001; gnomAD 0.00004.
gnomAD v4.1: 20 of 1,527,270 alleles (0.0013%); highest among the groups gnomAD compares: African/African-American, 0.0042%; no homozygotes.

Submission:

CeGaT Center for Human Genetics Tuebingen
Classification: Likely benign. Last evaluated: 2023-03-01. Review status: criteria provided, single submitter. Criteria: CeGaT Center For Human Genetics Tuebingen Variant Classification Criteria Version 2. Collection method: clinical testing. Allele origin: germline. Affected: yes. Observed: 1 variant allele.
Comment: PLEKHG2: BP4, BP7

NM_022835.3(PLEKHG2):c.1734C>T (p.Ser578=)

Gene: PLEKHG2 (pleckstrin homology and RhoGEF domain containing G2; plus strand). Cytogenetic location: 19q13.2.
Variant type: single nucleotide variant.
Coding change: c.1734C>T on transcript NM_022835.3 (MANE Select); coding-DNA position 1734, C replaced by T.
Protein change: p.Ser578=; no amino-acid change (serine 578 retained).
Molecular consequence: synonymous variant. On other transcripts: intron variant (1).
Genome position (GRCh38, 1-based): chr19:39,422,788, C>T. VCF-style: chr19-39422788-C-T. GRCh37 (hg19) VCF-style: chr19-39913428-C-T.
Other names: c.1557C>T, p.Ser519= (NM_001351693.2); c.1677+500C>T (NM_001351694.2).
Identifiers: ClinVar variation 2498778 (VCV002498778.28), dbSNP rs750550245, ClinGen allele CA9429643.